The following is an entry in ClinVar:

ClinVar aggregate classification (germline): Uncertain significance (1 of 4 stars; one submission).

Conditions:
CHARGE syndrome (CHARGE). Also called: Hittner Hirsch Kreh syndrome; CHARGE ASSOCIATION--COLOBOMA, HEART ANOMALY, CHOANAL ATRESIA, RETARDATION, GENITAL AND EAR ANOMALIES; Coloboma, heart anomaly, choanal atresia, retardation, genital and ear anomalies; CHARGE association; Hall-Hittner syndrome. Identifiers: Orphanet 138, MedGen C0265354, MONDO:0008965.

gnomAD v4.1: 1 of 1,608,122 alleles (0.000062%); highest among the groups gnomAD compares: Non-Finnish European, 0.000085%; no homozygotes.

Submission:

Labcorp Genetics (formerly Invitae), Labcorp
Classification: Uncertain significance for CHARGE syndrome. Last evaluated: 2025-05-28. Review status: criteria provided, single submitter. Criteria: Invitae Variant Classification Sherloc (09022015). Collection method: clinical testing. Allele origin: germline.
Comment: This sequence change replaces alanine, which is neutral and non-polar, with valine, which is neutral and non-polar, at codon 927 of the CHD7 protein (p.Ala927Val). This variant is not present in population databases (gnomAD no frequency). This variant has not been reported in the literature in individuals affected with CHD7-related conditions. Invitae Evidence Modeling of protein sequence and biophysical properties (such as structural, functional, and spatial information, amino acid conservation, physicochemical variation, residue mobility, and thermodynamic stability) indicates that this missense variant is not expected to disrupt CHD7 protein function with a negative predictive value of 95%. In summary, the available evidence is currently insufficient to determine the role of this variant in disease. Therefore, it has been classified as a Variant of Uncertain Significance.

NM_017780.4(CHD7):c.2780C>T (p.Ala927Val)

Gene: CHD7 (chromodomain helicase DNA binding protein 7; plus strand). Cytogenetic location: 8q12.2.
Variant type: single nucleotide variant.
Coding change: c.2780C>T on transcript NM_017780.4 (MANE Select); coding-DNA position 2780, C replaced by T.
Protein change: p.Ala927Val; replaces alanine 927 with valine.
Molecular consequence: missense variant. On other transcripts: intron variant (1).
Genome position (GRCh38, 1-based): chr8:60,821,872, C>T. VCF-style: chr8-60821872-C-T. GRCh37 (hg19) VCF-style: chr8-61734431-C-T.
Other names: c.1717-40357C>T (NM_001316690.1); short protein forms A927V.
Identifiers: ClinVar variation 4799002 (VCV004799002.1).
Genomic context (GRCh38, chr8:60,821,872, plus strand): 5'-AGTGGTGTTCACTTCCTTATGAAGACAGCACGTGGGAGCGGAGGCAGGACATAGATCAAG[C>T]AAAGATCGAGGAGTTTGAGAAACTAATGTCCAGGGAGCCGGAAACAGAGCGTGTGGTAAG-3'
Protein context (NP_060250.2, residues 917-937): TWERRQDIDQ[Ala927Val]KIEEFEKLMS